The following is an entry in ClinVar:

ClinVar aggregate classification (germline): Benign. Review status: criteria provided, multiple submitters, no conflicts (2 of 4 stars). 2 submissions from 2 submitters: Benign (2). Last evaluated 2018-01-13.

Conditions:
Renal tubular acidosis with progressive nerve deafness. Also called: RENAL TUBULAR ACIDOSIS, AUTOSOMAL RECESSIVE, WITH PROGRESSIVE NERVE DEAFNESS; RTA WITH PROGRESSIVE NERVE DEAFNESS; Distal Renal Tubular Acidosis with Progressive Sensorineural Deafness; renal tubular acidosis, distal, 2, with progressive sensorineural hearing loss. Identifiers: MedGen C0403554, MONDO:0009968, OMIM 267300.

Allele frequency attached by ClinVar (database versions not stated): gnomAD 0.00141; gnomAD exomes 0.00151; TOPMed 0.00269; 1000 Genomes Project 0.00679; 1000 Genomes Project 30x 0.00734.
gnomAD v4.1: 2,485 of 1,587,136 alleles (0.16%); highest among the groups gnomAD compares: East Asian, 3.4%; 36 homozygotes.

Submissions (2):

Illumina Laboratory Services, Illumina
Classification: Benign for Renal tubular acidosis with progressive nerve deafness. Last evaluated: 2018-01-13. Review status: criteria provided, single submitter. Criteria: ICSL Variant Classification Criteria 13 December 2019. Collection method: clinical testing. Allele origin: germline.
Comment: This variant was observed in the ICSL laboratory as part of a predisposition screen in an ostensibly healthy population. It had not been previously curated by ICSL or reported in the Human Gene Mutation Database (HGMD: prior to June 1st, 2018), and was therefore a candidate for classification through an automated scoring system. Utilizing variant allele frequency, disease prevalence and penetrance estimates, and inheritance mode, an automated score was calculated to assess if this variant is too frequent to cause the disease. Based on the score and internal cut-off values, a variant classified as benign is not then subjected to further curation. The score for this variant resulted in a classification of benign for this disease.

Breakthrough Genomics
Classification: Benign. Review status: criteria provided, single submitter. Criteria: ACMG Guidelines, 2015. Collection method: not provided. Allele origin: germline. Inheritance: Autosomal recessive inheritance. Affected: yes.

NM_001692.4(ATP6V1B1):c.*68C>T

Genes: ATP6V1B1 (ATPase H+ transporting V1 subunit B1; plus strand), LOC129934049 (ATAC-STARR-seq lymphoblastoid silent region 11614; plus strand). Cytogenetic location: 2p13.3.
Variant type: single nucleotide variant.
Coding change: c.*68C>T on transcript NM_001692.4 (MANE Select); 68 bases downstream of the stop codon, C replaced by T.
Molecular consequence: 3 prime UTR variant.
Genome position (GRCh38, 1-based): chr2:70,965,189, C>T. VCF-style: chr2-70965189-C-T. GRCh37 (hg19) VCF-style: chr2-71192319-C-T.
Identifiers: ClinVar variation 336930 (VCV000336930.6), dbSNP rs144725809, ClinGen allele CA10613902.